The following is an entry in ClinVar:

NM_000321.3(RB1):c.2020C>A (p.Pro674Thr)

Gene: RB1 (RB transcriptional corepressor 1; plus strand). Cytogenetic location: 13q14.2.
Variant type: single nucleotide variant.
Coding change: c.2020C>A on transcript NM_000321.3 (MANE Select); coding-DNA position 2020, C replaced by A.
Protein change: p.Pro674Thr; replaces proline 674 with threonine.
Molecular consequence: missense variant.
Genome position (GRCh38, 1-based): chr13:48,459,747, C>A. VCF-style: chr13-48459747-C-A. GRCh37 (hg19) VCF-style: chr13-49033883-C-A.
Other names: c.2020C>A, p.Pro674Thr (NM_001407165.1); short protein forms P674T.
Identifiers: ClinVar variation 3943367 (VCV003943367.1).

ClinVar aggregate classification (germline): Uncertain significance (1 of 4 stars; one submission).

Conditions:
Hereditary cancer-predisposing syndrome. Also called: Tumor predisposition; Hereditary neoplastic syndrome; Hereditary Cancer Syndrome; Neoplastic Syndromes, Hereditary. Identifiers: Orphanet 140162, MedGen C0027672, MeSH D009386, MONDO:0015356.

Submission:

Ambry Genetics
Classification: Uncertain significance for Hereditary cancer-predisposing syndrome. Last evaluated: 2025-06-02. Review status: criteria provided, single submitter. Criteria: Ambry Variant Classification Scheme 2023. Collection method: clinical testing. Allele origin: germline.
Comment: The p.P674T variant (also known as c.2020C>A), located in coding exon 20 of the RB1 gene, results from a C to A substitution at nucleotide position 2020. The proline at codon 674 is replaced by threonine, an amino acid with highly similar properties. This amino acid position is conserved. In addition, the in silico prediction for this alteration is inconclusive. Based on the available evidence, the clinical significance of this variant remains unclear.